The following is an entry in ClinVar:

NM_001349206.2(LPIN1):c.824delinsAAA (p.Ser275Ter)

Gene: LPIN1 (lipin 1; plus strand). Cytogenetic location: 2p25.1.
Variant type: Indel.
Coding change: c.824delinsAAA on transcript NM_001349206.2 (MANE Select); coding-DNA position 824, C replaced by AAA.
Protein change: p.Ser275Ter; replaces serine 275 with a stop codon.
Molecular consequence: nonsense. On other transcripts: intron variant (6).
Genome position (GRCh38, 1-based): chr2:11,776,187, C replaced by AAA. VCF-style: chr2-11776187-C-AAA. GRCh37 (hg19) VCF-style: chr2-11916313-C-AAA.
Other names: c.971delinsAAA, p.Ser324Ter (NM_001261428.3); c.821delinsAAA, p.Ser274Ter (NM_001349202.2, NM_001349203.2); c.824delinsAAA, p.Ser275Ter (NM_001349204.2, NM_001349205.2); c.914delinsAAA, p.Ser305Ter (NM_001349207.2); c.869+2442delinsAAA (NM_001349208.2); c.740+2442delinsAAA (NM_001261427.3); c.722+2442delinsAAA (NM_001349200.2, NM_001349199.2, NM_001349201.2 and 1 more transcripts); short protein forms S274*, S275*, S305*, S324*.
Identifiers: ClinVar variation 1690955 (VCV001690955.2), dbSNP rs2148644309, ClinGen allele CA2573133093.
Genomic context (GRCh38, chr2:11,776,187, plus strand): 5'-TTGCGGCCGAGGGAGGTCTGTCTAGTTCTTGCCCTCCACAGTCTTCCCTGTTCCATCCTT[C>AAA]GGAAAGGTAGAGGAGTTATTTTCCCCATTGGGATATATTCAATAATGAAAAATTTGATCT-3'

ClinVar aggregate classification (germline): Likely pathogenic (1 of 4 stars; one submission).

Submission:

Laboratorio de Genetica e Diagnostico Molecular, Hospital Israelita Albert Einstein
Classification: Likely pathogenic. Last evaluated: 2020-11-09. Review status: criteria provided, single submitter. Criteria: ACMG Guidelines, 2015. Collection method: clinical testing. Allele origin: germline. Affected: yes.
Comment: ACMG classification criteria: PVS1, PM2